The following is an entry in ClinVar:

ClinVar aggregate classification (germline): Likely benign (1 of 4 stars; one submission).

Allele frequency attached by ClinVar (database versions not stated): gnomAD 0.00072; ESP Exome Variant Server 0.00092; ExAC 0.00093.
gnomAD v4.1: 1,643 of 1,594,824 alleles (0.1%); highest among the groups gnomAD compares: Non-Finnish European, 0.13%; 4 homozygotes.

Submission:

CeGaT Center for Human Genetics Tuebingen
Classification: Likely benign. Last evaluated: 2023-09-01. Review status: criteria provided, single submitter. Criteria: CeGaT Center For Human Genetics Tuebingen Variant Classification Criteria Version 2. Collection method: clinical testing. Allele origin: germline. Affected: yes. Observed: 2 variant alleles.
Comment: CEP112: BP4

NM_001199165.4(CEP112):c.2164-3A>T

Gene: CEP112 (centrosomal protein 112; minus strand). Cytogenetic location: 17q24.1.
Variant type: single nucleotide variant.
Coding change: c.2164-3A>T on transcript NM_001199165.4 (MANE Select); 3 bases into the intron before coding-DNA position 2164, A replaced by T.
Molecular consequence: intron variant.
Genome position (GRCh38, 1-based): chr17:65,852,037, T>A on the plus strand (A>T on the coding strand, the complement: CEP112 is on the minus strand). VCF-style: chr17-65852037-T-A. GRCh37 (hg19) VCF-style: chr17-63848155-T-A.
Other names: c.2038-3A>T (NM_001353128.2, NM_001302891.3); c.2167-3A>T (NM_001353129.2); c.2164-3A>T (NM_001353127.2).
Identifiers: ClinVar variation 2648109 (VCV002648109.24), dbSNP rs201042942, ClinGen allele CA8719430.